The following is an entry in ClinVar:

ClinVar aggregate classification (germline): Pathogenic (1 of 4 stars; one submission).

Conditions:
Duchenne muscular dystrophy (DMD). Also called: Duchenne Muscular Dystrophy (DMD); MUSCULAR DYSTROPHY, PSEUDOHYPERTROPHIC PROGRESSIVE, DUCHENNE TYPE. Identifiers: Orphanet 98896, MedGen C0013264, MONDO:0010679, OMIM 310200.

Submission:

Labcorp Genetics (formerly Invitae), Labcorp
Classification: Pathogenic for Duchenne muscular dystrophy. Last evaluated: 2022-03-01. Review status: criteria provided, single submitter. Criteria: Invitae Variant Classification Sherloc (09022015). Collection method: clinical testing. Allele origin: germline.
Comment: For these reasons, this variant has been classified as Pathogenic. The region of the DMD gene that includes exon(s) 14 has been determined to be clinically significant (PMID: 17259292, 19040728, 23453023). Therefore, deletions that encompass that region are likely to be disease-causing. This variant has not been reported in the literature in individuals affected with DMD-related conditions. This variant is a gross deletion of the genomic region encompassing exon(s) 14-16 of the DMD gene. This variant would be expected to be in-frame, preserving the integrity of the reading frame.

Literature cited by the submitters: PubMed 17259292; PubMed 19040728; PubMed 23453023.

NC_000023.10:g.(?_32583799)_(32591983_?)del

Gene: DMD (dystrophin; minus strand). Cytogenetic location: Xp21.1.
Variant type: Deletion.
Identifiers: ClinVar variation 2424891 (VCV002424891.5).